The following is an entry in ClinVar:

ClinVar aggregate classification (germline): Conflicting classifications of pathogenicity. Review status: criteria provided, conflicting classifications (1 of 4 stars). 2 submissions from 2 submitters: Uncertain significance (1); Likely benign (1). Last evaluated 2024-05-21.

Conditions:
Hereditary cancer-predisposing syndrome. Also called: Hereditary Cancer Syndrome; Tumor predisposition; Hereditary neoplastic syndrome; Neoplastic Syndromes, Hereditary. Identifiers: Orphanet 140162, MedGen C0027672, MeSH D009386, MONDO:0015356.
Hereditary breast ovarian cancer syndrome. Also called: Hereditary breast and/or ovarian cancer syndrome; Hereditary breast and ovarian cancer syndrome; Hereditary breast and ovarian cancer syndrome (HBOC); Breast and ovarian cancer; Hereditary breast and ovarian cancer; BRCA1- and BRCA2-Associated Hereditary Breast and Ovarian Cancer. Identifiers: Orphanet 145, MedGen C0677776, MeSH D061325, MONDO:0003582. Disease mechanism: loss of function.

Allele frequency attached by ClinVar (database versions not stated): gnomAD exomes below 0.00001.
gnomAD v4.1: 1 of 1,614,052 alleles (0.000062%); highest among the groups gnomAD compares: Non-Finnish European, 0.000085%; no homozygotes.

Submissions (2):

Labcorp Genetics (formerly Invitae), Labcorp
Classification: Uncertain significance for Hereditary breast ovarian cancer syndrome. Last evaluated: 2024-05-21. Review status: criteria provided, single submitter. Criteria: Invitae Variant Classification Sherloc (09022015). Collection method: clinical testing. Allele origin: germline.
Comment: This sequence change replaces serine, which is neutral and polar, with isoleucine, which is neutral and non-polar, at codon 1178 of the BRCA1 protein (p.Ser1178Ile). This variant is not present in population databases (gnomAD no frequency). This missense change has been observed in individual(s) with clinical features of BRCA1-related conditions (PMID: 21520333). ClinVar contains an entry for this variant (Variation ID: 1054658). Advanced modeling of protein sequence and biophysical properties (such as structural, functional, and spatial information, amino acid conservation, physicochemical variation, residue mobility, and thermodynamic stability) performed at Invitae indicates that this missense variant is not expected to disrupt BRCA1 protein function with a negative predictive value of 95%. In summary, the available evidence is currently insufficient to determine the role of this variant in disease. Therefore, it has been classified as a Variant of Uncertain Significance.

University of Washington Department of Laboratory Medicine, University of Washington
Classification: Likely benign for Hereditary cancer-predisposing syndrome. Last evaluated: 2023-03-23. Review status: criteria provided, single submitter. Criteria: Dines et al. (Genet Med. 2020). Collection method: curation. Allele origin: germline.
Comment: Missense variant in a coldspot region where missense variants are very unlikely to be pathogenic (PMID:31911673).

BRCA1 coldspot (exon 11 using historical exon numbering). Reclassification based on statistical prior probability

Literature cited by the submitters: PubMed 21520333 (cited by Labcorp Genetics (formerly Invitae), Labcorp).

NM_007294.4(BRCA1):c.3533G>T (p.Ser1178Ile)

Genes: BRCA1 (BRCA1 DNA repair associated; minus strand), LOC126862571 (BRD4-independent group 4 enhancer GRCh37_chr17:41243136-41244335; plus strand). Cytogenetic location: 17q21.31.
Variant type: single nucleotide variant.
Coding change: c.3533G>T on transcript NM_007294.4 (MANE Select); coding-DNA position 3533, G replaced by T.
Protein change: p.Ser1178Ile; replaces serine 1178 with isoleucine.
Molecular consequence: missense variant. On other transcripts: intron variant (135).
Genome position (GRCh38, 1-based): chr17:43,091,998, C>A on the plus strand (G>T on the coding strand, the complement: BRCA1 is on the minus strand). VCF-style: chr17-43091998-C-A. GRCh37 (hg19) VCF-style: chr17-41244015-C-A.
Other names: c.3533G>T, p.Ser1178Ile (NM_001407624.1, NM_001407625.1, NM_001407626.1 and 30 more transcripts); c.3530G>T, p.Ser1177Ile (NM_001407627.1, NM_001407628.1, NM_001407629.1 and 22 more transcripts); c.3524G>T, p.Ser1175Ile (NM_001407646.1, NM_001407647.1); c.3410G>T, p.Ser1137Ile (NM_001407648.1, NM_001407664.1, NM_001407665.1 and 19 more transcripts); c.3320G>T, p.Ser1107Ile (NM_001407571.1, NM_001407853.1, NM_001407894.1 and 9 more transcripts); c.3407G>T, p.Ser1136Ile (NM_001407649.1, NM_001407670.1, NM_001407671.1 and 11 more transcripts); c.3455G>T, p.Ser1152Ile (NM_001407653.1, NM_001407654.1, NM_001407655.1 and 4 more transcripts); c.3452G>T, p.Ser1151Ile (NM_001407659.1, NM_001407660.1, NM_001407661.1 and 1 more transcripts); and 41 more; short protein forms S1131I, S1178I, S1010I, S1066I, S1130I, S1136I, S1137I, S1152I.
Identifiers: ClinVar variation 1054658 (VCV001054658.20), dbSNP rs1294360179, ClinGen allele CA10594902.